The following is an entry in ClinVar:

ClinVar aggregate classification (germline): Uncertain significance (1 of 4 stars; one submission).

Conditions:
Majeed syndrome (MJDS). Also called: LPIN2-Related Majeed Syndrome; CHRONIC RECURRENT MULTIFOCAL OSTEOMYELITIS 1, WITH CONGENITAL DYSERYTHROPOIETIC ANEMIA, WITH OR WITHOUT NEUTROPHILIC DERMATOSIS. Identifiers: Orphanet 77297, MedGen C1864997, MONDO:0012316, OMIM 609628.

Submission:

Labcorp Genetics (formerly Invitae), Labcorp
Classification: Uncertain significance for Majeed syndrome. Last evaluated: 2021-04-21. Review status: criteria provided, single submitter. Criteria: Invitae Variant Classification Sherloc (09022015). Collection method: clinical testing. Allele origin: germline.
Comment: In summary, the available evidence is currently insufficient to determine the role of this variant in disease. Therefore, it has been classified as a Variant of Uncertain Significance. Algorithms developed to predict the effect of missense changes on protein structure and function are either unavailable or do not agree on the potential impact of this missense change (SIFT: "Tolerated"; PolyPhen-2: "Possibly Damaging"; Align-GVGD: "Class C0"). This variant has not been reported in the literature in individuals with LPIN2-related conditions. This variant is not present in population databases (ExAC no frequency). This sequence change replaces proline with alanine at codon 886 of the LPIN2 protein (p.Pro886Ala). The proline residue is highly conserved and there is a small physicochemical difference between proline and alanine.

NM_001375808.2(LPIN2):c.2656C>G (p.Pro886Ala)

Gene: LPIN2 (lipin 2; minus strand). Cytogenetic location: 18p11.31.
Variant type: single nucleotide variant.
Coding change: c.2656C>G on transcript NM_001375808.2 (MANE Select); coding-DNA position 2656, C replaced by G.
Protein change: p.Pro886Ala; replaces proline 886 with alanine.
Molecular consequence: missense variant.
Genome position (GRCh38, 1-based): chr18:2,920,328, G>C on the plus strand (C>G on the coding strand, the complement: LPIN2 is on the minus strand). VCF-style: chr18-2920328-G-C. GRCh37 (hg19) VCF-style: chr18-2920326-G-C.
Other names: c.2656C>G, p.Pro886Ala (NM_001375809.1, NM_014646.2); short protein forms P886A.
Identifiers: ClinVar variation 1463091 (VCV001463091.8), dbSNP rs1470910142, ClinGen allele CA401693748.